The following is an entry in ClinVar:

ClinVar aggregate classification (germline): Pathogenic (1 of 4 stars; one submission).

Conditions:
MYH3-related disorder. Also called: MYH3-related condition; MYH3-Related Disorders. Identifiers: MedGen CN239329.

Submission:

Women's Health and Genetics/Laboratory Corporation of America, LabCorp
Classification: Pathogenic for MYH3-related disorder. Last evaluated: 2024-09-24. Review status: criteria provided, single submitter. Criteria: LabCorp Variant Classification Summary - May 2015. Collection method: clinical testing. Allele origin: germline.
Comment: Variant summary: MYH3 c.941_944delTTAG (p.Ile314ThrfsX10) results in a premature termination codon, predicted to cause a truncation of the encoded protein or absence of the protein due to nonsense mediated decay, which are commonly known mechanisms for disease. The variant was absent in 251456 control chromosomes. To our knowledge, no occurrence of c.941_944delTTAG in individuals affected with MYH3-Related Disorders and no experimental evidence demonstrating its impact on protein function have been reported. No submitters have cited clinical-significance assessments for this variant to ClinVar. Based on the evidence outlined above, the variant was classified as pathogenic.

NM_002470.4(MYH3):c.941_944del (p.Ile314fs)

Gene: MYH3 (myosin heavy chain 3; minus strand). Cytogenetic location: 17p13.1.
Variant type: Deletion.
Coding change: c.941_944del on transcript NM_002470.4 (MANE Select); coding-DNA positions 941 to 944, 4 bases deleted (TTAG; older notation c.941_944delTTAG).
Protein change: p.Ile314fs; shifts the reading frame from isoleucine 314.
Molecular consequence: frameshift variant.
Genome position (GRCh38, 1-based): chr17:10,645,987-10,645,990, CTAA deleted on the plus strand (TTAG on the coding strand, the reverse complement: MYH3 is on the minus strand). VCF-style (leftmost placement, unchanged base first): chr17-10645986-GCTAA-G. GRCh37 (hg19) VCF-style: chr17-10549303-GCTAA-G.
Other names: c.941_944delTTAG (NM_002470.4); short protein forms I314fs.
Identifiers: ClinVar variation 3375277 (VCV003375277.1).
Genomic context (GRCh38, chr17:10,645,986, plus strand): 5'-TACGTCTGTAGCCAGCAGCTCCTCTGCATCATCTATGCTGGCCACCAGGATCTCCCCCTG[GCTAA>G]TGAACGGGTAGTCGTAAGGGTTGGTCGTAATAAGCAGCAGCTCTGAAATGACAAATAGTT-3'